The following is an entry in ClinVar:

ClinVar aggregate classification (germline): Uncertain significance (1 of 4 stars; one submission).

Conditions:
KMT2C-related disorder. Also called: KMT2C-related condition; KMT2C-related disorders.

Submission:

PreventionGenetics, part of Exact Sciences
Classification: Uncertain significance for KMT2C-related condition. Last evaluated: 2023-01-13. Review status: criteria provided, single submitter. Criteria: ACMG Guidelines, 2015. Collection method: clinical testing. Allele origin: germline.
Comment: The KMT2C c.10930C>G variant is predicted to result in the amino acid substitution p.Pro3644Ala. To our knowledge, this variant has not been reported in the literature or in a large population database, indicating this variant is rare. At this time, the clinical significance of this variant is uncertain due to the absence of conclusive functional and genetic evidence.

NM_170606.3(KMT2C):c.10930C>G (p.Pro3644Ala)

Gene: KMT2C (lysine methyltransferase 2C; minus strand). Cytogenetic location: 7q36.1.
Variant type: single nucleotide variant.
Coding change: c.10930C>G on transcript NM_170606.3 (MANE Select); coding-DNA position 10930, C replaced by G.
Protein change: p.Pro3644Ala; replaces proline 3644 with alanine.
Molecular consequence: missense variant.
Genome position (GRCh38, 1-based): chr7:152,162,647, G>C on the plus strand (C>G on the coding strand, the complement: KMT2C is on the minus strand). VCF-style: chr7-152162647-G-C. GRCh37 (hg19) VCF-style: chr7-151859732-G-C.
Other names: short protein forms P3644A.
Identifiers: ClinVar variation 2629856 (VCV002629856.1), dbSNP rs2129103911, ClinGen allele CA370101896.
Genomic context (GRCh38, chr7:152,162,647, plus strand): 5'-CTGGTTCCACCGACTCTTGGTCGGCTTGTTGAGGAAGCTCACTGGGTGTGCTCACTGCAG[G>C]AGTAGAGGTAGTTTCTGAGATGCCTGGAGTCGGTGGGGCAGTTATATCTGAATGGGGAGT-3'
Protein context (NP_733751.2, residues 3634-3654): TPGISETTST[Pro3644Ala]AVSTPSELPQ